The following is an entry in ClinVar:

NM_006766.5(KAT6A):c.2583G>T (p.Gln861His)

Gene: KAT6A (lysine acetyltransferase 6A; minus strand). Cytogenetic location: 8p11.21.
Variant type: single nucleotide variant.
Coding change: c.2583G>T on transcript NM_006766.5 (MANE Select); coding-DNA position 2583, G replaced by T.
Protein change: p.Gln861His; replaces glutamine 861 with histidine.
Molecular consequence: missense variant.
Genome position (GRCh38, 1-based): chr8:41,941,298, C>A on the plus strand (G>T on the coding strand, the complement: KAT6A is on the minus strand). VCF-style: chr8-41941298-C-A. GRCh37 (hg19) VCF-style: chr8-41798816-C-A.
Other names: short protein forms Q861H.
Identifiers: ClinVar variation 2867143 (VCV002867143.3), dbSNP rs1376143480, ClinGen allele CA371072107.
Genomic context (GRCh38, chr8:41,941,298, plus strand): 5'-ATCACCAAAACGTTCCTGGGTTTTTCTGTTCTTCCTCCCCCAGCGGCCCCTCCGAGATGG[C>A]TGGCTATTTGCAGGAAGACTATCATGAGGAAGGACTTGTTTGCTCAAACGTGTAGAACTG-3'
Protein context (NP_006757.2, residues 851-871): LPHDSLPANS[Gln861His]PSRRGRWGRK

ClinVar aggregate classification (germline): Uncertain significance (1 of 4 stars; one submission).

Submission:

Labcorp Genetics (formerly Invitae), Labcorp
Classification: Uncertain significance. Last evaluated: 2023-05-22. Review status: criteria provided, single submitter. Criteria: Invitae Variant Classification Sherloc (09022015). Collection method: clinical testing. Allele origin: germline.
Comment: In summary, the available evidence is currently insufficient to determine the role of this variant in disease. Therefore, it has been classified as a Variant of Uncertain Significance. Advanced modeling of protein sequence and biophysical properties (such as structural, functional, and spatial information, amino acid conservation, physicochemical variation, residue mobility, and thermodynamic stability) has been performed at Invitae for this missense variant, however the output from this modeling did not meet the statistical confidence thresholds required to predict the impact of this variant on KAT6A protein function. This variant has not been reported in the literature in individuals affected with KAT6A-related conditions. This variant is not present in population databases (gnomAD no frequency). This sequence change replaces glutamine, which is neutral and polar, with histidine, which is basic and polar, at codon 861 of the KAT6A protein (p.Gln861His).